The following is an entry in ClinVar:

NM_006885.4(ZFHX3):c.2325_2348del (p.Val777_Ala784del)

Gene: ZFHX3 (zinc finger homeobox 3; minus strand). Cytogenetic location: 16q22.3.
Variant type: Deletion.
Coding change: c.2325_2348del on transcript NM_006885.4 (MANE Select); coding-DNA positions 2325 to 2348, 24 bases deleted (GGCGGTGGCTGCGGCGGCGGCGGC).
Protein change: p.Val777_Ala784del.
Molecular consequence: inframe deletion. On other transcripts: intron variant (1).
Genome position (GRCh38, 1-based): chr16:72,957,798-72,957,821, GCCGCCGCCGCCGCAGCCACCGCC deleted on the plus strand (GGCGGTGGCTGCGGCGGCGGCGGC on the coding strand, the reverse complement: ZFHX3 is on the minus strand); deleting any 24 consecutive bases within chr16:72,957,798-72,957,833 gives the same sequence; the c. name uses the placement nearest the transcript's 3' end. VCF-style (leftmost placement, unchanged base first): chr16-72957797-TGCCGCCGCCGCCGCAGCCACCGCC-T. GRCh37 (hg19) VCF-style: chr16-72991696-TGCCGCCGCCGCCGCAGCCACCGCC-T.
Other names: c.2325_2348del, p.Val777_Ala784del (NM_001386735.1); c.-23-6856_-23-6833del (NM_001164766.2).
Identifiers: ClinVar variation 4820941 (VCV004820941.4).

ClinVar aggregate classification (germline): Likely benign (1 of 4 stars; one submission).

Submission:

CeGaT Center for Human Genetics Tuebingen
Classification: Likely benign. Last evaluated: 2025-12-01. Review status: criteria provided, single submitter. Criteria: CeGaT Center For Human Genetics Tuebingen Variant Classification Criteria Version 2. Collection method: clinical testing. Allele origin: germline. Affected: yes. Observed: 1 variant allele.
Comment: ZFHX3: BS2